The following is an entry in ClinVar:

ClinVar aggregate classification (germline): Conflicting classifications of pathogenicity. Review status: criteria provided, conflicting classifications (1 of 4 stars). 10 submissions from 10 submitters: Uncertain significance (1); Likely benign (7). 2 of the submissions do not count toward it. Last evaluated 2025-12-29.

Conditions:
Wilson disease (WND). Also called: Wilson's disease. Identifiers: Orphanet 905, MedGen C0019202, MONDO:0010200, OMIM 277900. Disease mechanism: loss of function.
ATP7B-related disorder. Also called: ATP7B-related condition.

Allele frequency attached by ClinVar (database versions not stated): gnomAD exomes 0.00012; 1000 Genomes Project 30x 0.00016; ExAC 0.00017; 1000 Genomes Project 0.00020; gnomAD 0.00022 and 0.00023; TOPMed 0.00024; ESP Exome Variant Server 0.00032.
gnomAD v4.1: 270 of 1,614,082 alleles (0.017%); highest among the groups gnomAD compares: South Asian, 0.043%; 1 homozygote.

Submissions (10):

Labcorp Genetics (formerly Invitae), Labcorp
Classification: Likely benign for Wilson disease. Last evaluated: 2025-12-29. Review status: criteria provided, single submitter. Criteria: Invitae Variant Classification Sherloc (09022015). Collection method: clinical testing. Allele origin: germline.

CeGaT Center for Human Genetics Tuebingen
Classification: Likely benign. Last evaluated: 2024-07-01. Review status: criteria provided, single submitter. Criteria: CeGaT Center For Human Genetics Tuebingen Variant Classification Criteria Version 2. Collection method: clinical testing. Allele origin: germline. Affected: yes. Observed: 1 variant allele.
Comment: ATP7B: BP4, BP7

Blueprint Genetics
Classification: Likely benign. Last evaluated: 2024-06-17. Review status: criteria provided, single submitter. Criteria: ACMG Guidelines, 2015. Collection method: clinical testing. Allele origin: germline.

All of Us Research Program, National Institutes of Health
Classification: Likely benign for Wilson disease. Last evaluated: 2024-02-05. Review status: criteria provided, single submitter. Criteria: ACMG Guidelines, 2015. Collection method: clinical testing. Allele origin: germline. Inheritance: Autosomal recessive inheritance. Observed: 33 variant alleles, 33 heterozygotes.
Comment: This study involves interpretation of variants in research participants for the purpose of population health screening. Participant phenotype was not available at the time of variant classification. Additional details can be found in publication PMID: 35346344, PMCID: PMC8962531

Color Diagnostics, LLC DBA Color Health
Classification: Likely benign for Wilson disease. Last evaluated: 2022-08-05. Review status: criteria provided, single submitter. Criteria: ACMG Guidelines, 2015. Collection method: clinical testing. Allele origin: germline.

Genome-Nilou Lab
Classification: Likely benign for Wilson disease. Last evaluated: 2021-08-10. Review status: criteria provided, single submitter. Criteria: ACMG Guidelines, 2015. Collection method: clinical testing. Allele origin: germline. Affected: no.

Illumina Laboratory Services, Illumina
Classification: Uncertain significance for Wilson disease. Last evaluated: 2018-01-12. Review status: criteria provided, single submitter. Criteria: ICSL Variant Classification Criteria 13 December 2019. Collection method: clinical testing. Allele origin: germline.

GeneDx
Classification: Likely benign. Last evaluated: 2017-10-05. Review status: criteria provided, single submitter. Criteria: GeneDx Variant Classification (06012015). Collection method: clinical testing. Allele origin: germline. Affected: yes.
Comment: This variant is considered likely benign or benign based on one or more of the following criteria: it is a conservative change, it occurs at a poorly conserved position in the protein, it is predicted to be benign by multiple in silico algorithms, and/or has population frequency not consistent with disease.

PreventionGenetics, part of Exact Sciences
Classification: Likely benign for ATP7B-related condition. Last evaluated: 2024-05-20. Review status: no assertion criteria provided. Collection method: clinical testing. Allele origin: germline. Not counted in ClinVar's aggregate classification.
Comment: This variant is classified as likely benign based on ACMG/AMP sequence variant interpretation guidelines (Richards et al. 2015 PMID: 25741868, with internal and published modifications).

Natera, Inc.
Classification: Likely benign for Wilson disease. Last evaluated: 2020-09-16. Review status: no assertion criteria provided. Collection method: clinical testing. Allele origin: germline. Not counted in ClinVar's aggregate classification.

NM_000053.4(ATP7B):c.3105C>T (p.Gly1035=)

Gene: ATP7B (ATPase copper transporting beta; minus strand). Cytogenetic location: 13q14.3.
Variant type: single nucleotide variant.
Coding change: c.3105C>T on transcript NM_000053.4 (MANE Select); coding-DNA position 3105, C replaced by T.
Protein change: p.Gly1035=; no amino-acid change (glycine 1035 retained).
Molecular consequence: synonymous variant.
Genome position (GRCh38, 1-based): chr13:51,944,247, G>A on the plus strand (C>T on the coding strand, the complement: ATP7B is on the minus strand). VCF-style: chr13-51944247-G-A. GRCh37 (hg19) VCF-style: chr13-52518383-G-A.
Other names: c.2484C>T, p.Gly828= (NM_001005918.3); c.2772C>T, p.Gly924= (NM_001243182.2); c.2871C>T, p.Gly957= (NM_001330578.2); c.2853C>T, p.Gly951= (NM_001330579.2).
Identifiers: ClinVar variation 312385 (VCV000312385.39), dbSNP rs200324179, ClinGen allele CA6988808.